The following is an entry in ClinVar:

ClinVar aggregate classification (germline): Uncertain significance (1 of 4 stars; one submission).

Conditions:
Familial hypobetalipoproteinemia 1. Also called: APOB-Related Familial Hypobetalipoproteinemia; Hypobetalipoproteinemia, normotriglyceridemic; Acanthocytosis with hypobetalipoproteinemia. Identifiers: MedGen C4551990, MONDO:0014252, OMIM 615558.
Hypercholesterolemia, autosomal dominant, type B (FHCL2). Also called: Familial Hypercholesterolemia Type B; APOLIPOPROTEIN B-100, FAMILIAL DEFECTIVE; APOLIPOPROTEIN B-100, FAMILIAL LIGAND-DEFECTIVE; HYPERCHOLESTEROLEMIA, FAMILIAL, DUE TO LIGAND-DEFECTIVE APOLIPOPROTEIN B; Hyperlipoproteinemia Type IIb; Familial hypercholesterolemia 2. Identifiers: MedGen C1704417, MONDO:0007751, OMIM 144010.

Submission:

Labcorp Genetics (formerly Invitae), Labcorp
Classification: Uncertain significance for Familial hypobetalipoproteinemia 1; Hypercholesterolemia, autosomal dominant, type B. Last evaluated: 2024-05-12. Review status: criteria provided, single submitter. Criteria: Invitae Variant Classification Sherloc (09022015). Collection method: clinical testing. Allele origin: germline.
Comment: This sequence change replaces serine, which is neutral and polar, with asparagine, which is neutral and polar, at codon 897 of the APOB protein (p.Ser897Asn). This variant is not present in population databases (gnomAD no frequency). This variant has not been reported in the literature in individuals affected with APOB-related conditions. Advanced modeling of protein sequence and biophysical properties (such as structural, functional, and spatial information, amino acid conservation, physicochemical variation, residue mobility, and thermodynamic stability) performed at Invitae indicates that this missense variant is not expected to disrupt APOB protein function with a negative predictive value of 95%. In summary, the available evidence is currently insufficient to determine the role of this variant in disease. Therefore, it has been classified as a Variant of Uncertain Significance.

NM_000384.3(APOB):c.2690G>A (p.Ser897Asn)

Gene: APOB (apolipoprotein B; minus strand). Cytogenetic location: 2p24.1.
Variant type: single nucleotide variant.
Coding change: c.2690G>A on transcript NM_000384.3 (MANE Select); coding-DNA position 2690, G replaced by A.
Protein change: p.Ser897Asn; replaces serine 897 with asparagine.
Molecular consequence: missense variant.
Genome position (GRCh38, 1-based): chr2:21,022,957, C>T on the plus strand (G>A on the coding strand, the complement: APOB is on the minus strand). VCF-style: chr2-21022957-C-T. GRCh37 (hg19) VCF-style: chr2-21245829-C-T.
Other names: short protein forms S897N.
Identifiers: ClinVar variation 3753605 (VCV003753605.2), dbSNP rs1663650957.